The following is an entry in ClinVar:

ClinVar aggregate classification (germline): Likely benign. Review status: criteria provided, multiple submitters, no conflicts (2 of 4 stars). 2 submissions from 2 submitters: Likely benign (2). Last evaluated 2018-06-16.

gnomAD v4.1: 1,596 of 122,036 alleles (1.3%); highest among the groups gnomAD compares: Non-Finnish European, 1.6%; 83 homozygotes.

Submissions (2):

GeneDx
Classification: Likely benign. Last evaluated: 2018-06-16. Review status: criteria provided, single submitter. Criteria: GeneDx Variant Classification (06012015). Collection method: clinical testing. Allele origin: germline. Affected: yes.
Comment: This variant is considered likely benign or benign based on one or more of the following criteria: it is a conservative change, it occurs at a poorly conserved position in the protein, it is predicted to be benign by multiple in silico algorithms, and/or has population frequency not consistent with disease.

Breakthrough Genomics
Classification: Likely benign. Review status: criteria provided, single submitter. Criteria: ACMG Guidelines, 2015. Collection method: not provided. Allele origin: germline. Inheritance: Autosomal recessive inheritance. Affected: yes.

NM_002768.5(CHMP1A):c.253-272A>G

Gene: CHMP1A (charged multivesicular body protein 1A; minus strand). Cytogenetic location: 16q24.3.
Variant type: single nucleotide variant.
Coding change: c.253-272A>G on transcript NM_002768.5 (MANE Select); 272 bases into the intron before coding-DNA position 253, A replaced by G.
Molecular consequence: intron variant.
Genome position (GRCh38, 1-based): chr16:89,647,603, T>C on the plus strand (A>G on the coding strand, the complement: CHMP1A is on the minus strand). VCF-style: chr16-89647603-T-C. GRCh37 (hg19) VCF-style: chr16-89714011-T-C.
Other names: c.233-272A>G (NM_001083314.4).
Identifiers: ClinVar variation 673838 (VCV000673838.2), dbSNP rs549597342, ClinGen allele CA286551014.